The following is an entry in ClinVar:

ClinVar aggregate classification (germline): Uncertain significance (1 of 4 stars; one submission).

Allele frequency attached by ClinVar (database versions not stated): gnomAD exomes 0.00001.
gnomAD v4.1: 3 of 1,613,428 alleles (0.00019%); highest among the groups gnomAD compares: Non-Finnish European, 0.00025%; no homozygotes.

Submission:

Labcorp Genetics (formerly Invitae), Labcorp
Classification: Uncertain significance. Last evaluated: 2022-07-02. Review status: criteria provided, single submitter. Criteria: Invitae Variant Classification Sherloc (09022015). Collection method: clinical testing. Allele origin: germline.
Comment: Algorithms developed to predict the effect of sequence changes on RNA splicing suggest that this variant may create or strengthen a splice site. In summary, the available evidence is currently insufficient to determine the role of this variant in disease. Therefore, it has been classified as a Variant of Uncertain Significance. Algorithms developed to predict the effect of missense changes on protein structure and function output the following: SIFT: "Tolerated"; PolyPhen-2: "Benign"; Align-GVGD: "Class C0". The arginine amino acid residue is found in multiple mammalian species, which suggests that this missense change does not adversely affect protein function. This variant has not been reported in the literature in individuals affected with CFAP410-related conditions. The frequency data for this variant in the population databases is considered unreliable, as metrics indicate poor data quality at this position in the gnomAD database. This sequence change replaces lysine, which is basic and polar, with arginine, which is basic and polar, at codon 156 of the CFAP410 protein (p.Lys156Arg).

NM_004928.3(CFAP410):c.467A>G (p.Lys156Arg)

Gene: CFAP410 (cilia and flagella associated protein 410; minus strand). Cytogenetic location: 21q22.3.
Variant type: single nucleotide variant.
Coding change: c.467A>G on transcript NM_004928.3 (MANE Select); coding-DNA position 467, A replaced by G.
Protein change: p.Lys156Arg; replaces lysine 156 with arginine.
Molecular consequence: missense variant.
Genome position (GRCh38, 1-based): chr21:44,331,921, T>C on the plus strand (A>G on the coding strand, the complement: CFAP410 is on the minus strand). VCF-style: chr21-44331921-T-C. GRCh37 (hg19) VCF-style: chr21-45751804-T-C.
Other names: c.467A>G, p.Lys156Arg (NM_001271440.2, NM_001271441.2); c.344A>G, p.Lys115Arg (NM_001271442.1); short protein forms K115R, K156R.
Identifiers: ClinVar variation 1898687 (VCV001898687.5), dbSNP rs1568986303, ClinGen allele CA410453935.
Genomic context (GRCh38, chr21:44,331,921, plus strand): 5'-TCCAGCGGGTCCCGGCCAGTCTCAGCAGCGGAGCTGAGGGAGCTCAGTGTGCAGCATAGC[T>C]TGGGGCCGCCGTGGCCTGTGCCCTCTCTCTCTGGGGCCGCAGTGATCTCCTCTCCCTCAC-3'
Protein context (NP_004919.1, residues 146-166): EREGTGHGGP[Lys156Arg]LCCTLSSLSS